The following is an entry in ClinVar:

ClinVar aggregate classification (germline): Pathogenic/Likely pathogenic. Review status: criteria provided, multiple submitters, no conflicts (2 of 4 stars). 4 submissions from 4 submitters: Pathogenic (1); Likely pathogenic (3). Last evaluated 2025-03-15.

Conditions:
Autosomal recessive nonsyndromic hearing loss 77. Identifiers: Orphanet 90636, MedGen C2746083, MONDO:0013119, OMIM 613079.
LOXHD1-related disorder. Also called: LOXHD1-related condition.

gnomAD v4.1: 7 of 1,552,372 alleles (0.00045%); highest among the groups gnomAD compares: South Asian, 0.0012%; no homozygotes.

Submissions (4):

PreventionGenetics, part of Exact Sciences
Classification: Likely pathogenic for LOXHD1-related condition. Last evaluated: 2025-03-15. Review status: criteria provided, single submitter. Criteria: ACMG Guidelines, 2015. Collection method: clinical testing. Allele origin: germline.
Comment: The LOXHD1 c.3350+1G>A variant is predicted to disrupt the GT donor site and interfere with normal splicing. This variant was reported in an individual with hearing loss (Budde et al. 2020. PubMed ID: 32279305). This variant is reported in 0.0016% of alleles in individuals of European (Non-Finnish) descent in gnomAD. Variants that disrupt the consensus splice acceptor site in LOXHD1 are expected to be pathogenic. This variant is interpreted as likely pathogenic.

Labcorp Genetics (formerly Invitae), Labcorp
Classification: Pathogenic. Last evaluated: 2024-11-21. Review status: criteria provided, single submitter. Criteria: Invitae Variant Classification Sherloc (09022015). Collection method: clinical testing. Allele origin: germline.
Comment: This sequence change affects a donor splice site in intron 21 of the LOXHD1 gene. It is expected to disrupt RNA splicing. Variants that disrupt the donor or acceptor splice site typically lead to a loss of protein function (PMID: 16199547), and loss-of-function variants in LOXHD1 are known to be pathogenic (PMID: 19732867, 21465660, 25792669). This variant is not present in population databases (gnomAD no frequency). Disruption of this splice site has been observed in individuals with deafness (PMID: 32279305; internal data). ClinVar contains an entry for this variant (Variation ID: 955245). Algorithms developed to predict the effect of sequence changes on RNA splicing suggest that this variant may disrupt the consensus splice site. For these reasons, this variant has been classified as Pathogenic.

Natera, Inc.
Classification: Likely pathogenic for Autosomal recessive deafness type 77. Last evaluated: 2024-04-01. Review status: criteria provided, single submitter. Criteria: Natera Variant Classification Schema (03/2026). Collection method: clinical testing. Allele origin: germline.
Comment: The c.3350+1G>A variant in LOXHD1 is a canonical splice donor site variant predicted to affect pre-mRNA splicing, which may result in an abnormal transcript and altered protein product. This variant is expected to result in nonsense mediated decay, truncation, or a dysfunctional protein product. This variant is rare in the general population with a frequency below the threshold expected for the associated phenotype(s). Given the available evidence, this variant is classified as Likely Pathogenic.

Fulgent Genetics
Classification: Likely pathogenic for Autosomal recessive nonsyndromic hearing loss 77. Last evaluated: 2024-03-19. Review status: criteria provided, single submitter. Criteria: ACMG Guidelines, 2015. Collection method: clinical testing. Allele origin: germline.

Literature cited by the submitters: PubMed 16199547 (cited by Labcorp Genetics (formerly Invitae), Labcorp); PubMed 19732867 (cited by Labcorp Genetics (formerly Invitae), Labcorp); PubMed 21465660 (cited by Labcorp Genetics (formerly Invitae), Labcorp); PubMed 25792669 (cited by Labcorp Genetics (formerly Invitae), Labcorp); PubMed 32279305 (cited by Labcorp Genetics (formerly Invitae), Labcorp).

NM_001384474.1(LOXHD1):c.3350+1G>A

Gene: LOXHD1 (lipoxygenase homology PLAT domains 1; minus strand). Cytogenetic location: 18q21.1.
Variant type: single nucleotide variant.
Coding change: c.3350+1G>A on transcript NM_001384474.1 (MANE Select); the canonical splice donor site of the intron after coding-DNA position 3350, G replaced by A.
Molecular consequence: splice donor variant.
Genome position (GRCh38, 1-based): chr18:46,557,355, C>T on the plus strand (G>A on the coding strand, the complement: LOXHD1 is on the minus strand). VCF-style: chr18-46557355-C-T. GRCh37 (hg19) VCF-style: chr18-44137318-C-T.
Other names: c.17+1G>A (NM_001145472.3); c.3350+1G>A (NM_144612.7).
Identifiers: ClinVar variation 955245 (VCV000955245.12), dbSNP rs1301706601, ClinGen allele CA402368600.